The following is an entry in ClinVar:

ClinVar aggregate classification (germline): Conflicting classifications of pathogenicity. Review status: criteria provided, conflicting classifications (1 of 4 stars). 4 submissions from 4 submitters: Uncertain significance (3); Likely benign (1). Last evaluated 2026-01-11.

Conditions:
Hereditary cancer-predisposing syndrome. Also called: Neoplastic Syndromes, Hereditary; Tumor predisposition; Hereditary neoplastic syndrome; Hereditary Cancer Syndrome. Identifiers: Orphanet 140162, MedGen C0027672, MeSH D009386, MONDO:0015356.
Gorlin syndrome. Also called: Basal cell nevus syndrome; Nevoid Basal Cell Carcinoma Syndrome. Identifiers: Orphanet 377, MedGen C0004779, MONDO:0007187.
Medulloblastoma (MDB). Also called: Medulloblastoma, somatic; MEDULLOBLASTOMA PREDISPOSITION SYNDROME. Identifiers: Orphanet 616, MedGen C0025149, MeSH D008527, MONDO:0007959, OMIM 155255, HP:0002885.

Allele frequency attached by ClinVar (database versions not stated): gnomAD exomes below 0.00001 and 0.00003; TOPMed 0.00001; gnomAD 0.00002 and 0.00003; 1000 Genomes Project 0.00020; 1000 Genomes Project 30x 0.00031.

Submissions (4):

Labcorp Genetics (formerly Invitae), Labcorp
Classification: Uncertain significance for Gorlin syndrome; Medulloblastoma. Last evaluated: 2026-01-11. Review status: criteria provided, single submitter. Criteria: Invitae Variant Classification Sherloc (09022015). Collection method: clinical testing. Allele origin: germline.
Comment: This sequence change replaces isoleucine, which is neutral and non-polar, with valine, which is neutral and non-polar, at codon 228 of the SUFU protein (p.Ile228Val). This variant is present in population databases (rs555976050, gnomAD 0.003%). This variant has not been reported in the literature in individuals affected with SUFU-related conditions. ClinVar contains an entry for this variant (Variation ID: 524671). An algorithm developed to predict the effect of missense changes on protein structure and function outputs the following: PolyPhen-2: "Benign". The valine amino acid residue is found in multiple mammalian species, which suggests that this missense change does not adversely affect protein function. In summary, the available evidence is currently insufficient to determine the role of this variant in disease. Therefore, it has been classified as a Variant of Uncertain Significance.

Quest Diagnostics Nichols Institute San Juan Capistrano
Classification: Uncertain significance. Last evaluated: 2025-08-22. Review status: criteria provided, single submitter. Criteria: Quest Diagnostics criteria. Collection method: clinical testing. Allele origin: unknown.
Comment: The SUFU c.682A>G (p.Ile228Val) variant has not been reported in individuals with SUFU-related conditions in the published literature. The frequency of this variant in the general population (Genome Aggregation Database) is uninformative in the assessment of its pathogenicity. Analysis of this variant using bioinformatics tools for the prediction of the effect of amino acid changes on protein structure and function yielded predictions that this variant is benign. Based on the available information, we are unable to determine the clinical significance of this variant.

GeneDx
Classification: Uncertain significance. Last evaluated: 2024-04-04. Review status: criteria provided, single submitter. Criteria: GeneDx Variant Classification Process June 2021. Collection method: clinical testing. Allele origin: germline. Affected: yes.
Comment: Not observed at significant frequency in large population cohorts (gnomAD); In silico analysis indicates that this missense variant does not alter protein structure/function; Has not been previously published as pathogenic or benign to our knowledge; This variant is associated with the following publications: (PMID: 24311597)

Ambry Genetics
Classification: Likely benign for Hereditary cancer-predisposing syndrome. Last evaluated: 2018-12-03. Review status: criteria provided, single submitter. Criteria: Ambry Variant Classification Scheme 2023. Collection method: clinical testing. Allele origin: germline.

NM_016169.4(SUFU):c.682A>G (p.Ile228Val)

Gene: SUFU (SUFU negative regulator of hedgehog signaling; plus strand). Cytogenetic location: 10q24.32.
Variant type: single nucleotide variant.
Coding change: c.682A>G on transcript NM_016169.4 (MANE Select); coding-DNA position 682, A replaced by G.
Protein change: p.Ile228Val; replaces isoleucine 228 with valine.
Molecular consequence: missense variant.
Genome position (GRCh38, 1-based): chr10:102,593,720, A>G. VCF-style: chr10-102593720-A-G. GRCh37 (hg19) VCF-style: chr10-104353477-A-G.
Other names: c.682A>G, p.Ile228Val (NM_001178133.2); short protein forms I228V.
Identifiers: ClinVar variation 524671 (VCV000524671.13), dbSNP rs555976050, ClinGen allele CA212266200.